The following is an entry in ClinVar:

NM_000295.5(SERPINA1):c.172G>A (p.Ala58Thr)

Gene: SERPINA1 (serpin family A member 1; minus strand). Cytogenetic location: 14q32.13.
Variant type: single nucleotide variant.
Coding change: c.172G>A on transcript NM_000295.5 (MANE Select); coding-DNA position 172, G replaced by A.
Protein change: p.Ala58Thr; replaces alanine 58 with threonine.
Molecular consequence: missense variant.
Genome position (GRCh38, 1-based): chr14:94,383,066, C>T on the plus strand (G>A on the coding strand, the complement: SERPINA1 is on the minus strand). VCF-style: chr14-94383066-C-T. GRCh37 (hg19) VCF-style: chr14-94849403-C-T.
Other names: c.172G>A, p.Ala58Thr (NM_001002235.3, NM_001002236.3, NM_001127700.2 and 7 more transcripts); short protein forms A58T.
Identifiers: ClinVar variation 3351432 (VCV003351432.1).

ClinVar aggregate classification (germline): Uncertain significance (0 of 4 stars; one submission).

Conditions:
SERPINA1-related disorder. Also called: SERPINA1-related condition; SerpinA1-related disorders.

gnomAD v4.1: 32 of 1,613,972 alleles (0.002%); highest among the groups gnomAD compares: Admixed American, 0.018%; no homozygotes.

Submission:

PreventionGenetics, part of Exact Sciences
Classification: Uncertain significance for SERPINA1-related condition. Last evaluated: 2024-03-20. Review status: no assertion criteria provided. Collection method: clinical testing. Allele origin: germline.
Comment: The SERPINA1 c.172G>A variant is predicted to result in the amino acid substitution p.Ala58Thr. To our knowledge, this variant has not been reported in the literature. This variant is reported in 0.012% of alleles in individuals of African descent in gnomAD. At this time, the clinical significance of this variant is uncertain due to the absence of conclusive functional and genetic evidence.